The following is an entry in ClinVar:

ClinVar aggregate classification (germline): Uncertain significance (1 of 4 stars; one submission).

Conditions:
Temtamy preaxial brachydactyly syndrome (TPBS). Identifiers: Orphanet 363417, MedGen C1854466, MONDO:0011533, OMIM 605282.

Allele frequency attached by ClinVar (database versions not stated): gnomAD exomes below 0.00001.

Submission:

Labcorp Genetics (formerly Invitae), Labcorp
Classification: Uncertain significance for Temtamy preaxial brachydactyly syndrome. Last evaluated: 2021-02-08. Review status: criteria provided, single submitter. Criteria: Invitae Variant Classification Sherloc (09022015). Collection method: clinical testing. Allele origin: germline.
Comment: Algorithms developed to predict the effect of missense changes on protein structure and function output the following: SIFT: "Tolerated"; PolyPhen-2: "Benign"; Align-GVGD: "Class C0". The tyrosine amino acid residue is found in multiple mammalian species, suggesting that this missense change does not adversely affect protein function. These predictions have not been confirmed by published functional studies and their clinical significance is uncertain. This variant has not been reported in the literature in individuals with CHSY1-related conditions. This variant is not present in population databases (ExAC no frequency). This sequence change replaces histidine with tyrosine at codon 157 of the CHSY1 protein (p.His157Tyr). The histidine residue is highly conserved and there is a moderate physicochemical difference between histidine and tyrosine. Algorithms developed to predict the effect of sequence changes on RNA splicing suggest that this variant may create or strengthen a splice site, but this prediction has not been confirmed by published transcriptional studies. In summary, the available evidence is currently insufficient to determine the role of this variant in disease. Therefore, it has been classified as a Variant of Uncertain Significance.

NM_014918.5(CHSY1):c.469C>T (p.His157Tyr)

Gene: CHSY1 (chondroitin sulfate synthase 1; minus strand). Cytogenetic location: 15q26.3.
Variant type: single nucleotide variant.
Coding change: c.469C>T on transcript NM_014918.5 (MANE Select); coding-DNA position 469, C replaced by T.
Protein change: p.His157Tyr; replaces histidine 157 with tyrosine.
Molecular consequence: missense variant.
Genome position (GRCh38, 1-based): chr15:101,235,429, G>A on the plus strand (C>T on the coding strand, the complement: CHSY1 is on the minus strand). VCF-style: chr15-101235429-G-A. GRCh37 (hg19) VCF-style: chr15-101775634-G-A.
Other names: short protein forms H157Y.
Identifiers: ClinVar variation 1508525 (VCV001508525.8), dbSNP rs2141275520, ClinGen allele CA393968216.